The following is an entry in ClinVar:

NM_000136.3(FANCC):c.207A>G (p.Gln69=)

Gene: FANCC (FA complementation group C; minus strand). Cytogenetic location: 9q22.32.
Variant type: single nucleotide variant.
Coding change: c.207A>G on transcript NM_000136.3 (MANE Select); coding-DNA position 207, A replaced by G.
Protein change: p.Gln69=; no amino-acid change (glutamine 69 retained).
Molecular consequence: synonymous variant.
Genome position (GRCh38, 1-based): chr9:95,247,475, T>C on the plus strand (A>G on the coding strand, the complement: FANCC is on the minus strand). VCF-style: chr9-95247475-T-C. GRCh37 (hg19) VCF-style: chr9-98009757-T-C.
Other names: c.207A>G, p.Gln69= (NM_001243743.2, NM_001243744.2).
Identifiers: ClinVar variation 512209 (VCV000512209.8), dbSNP rs1554857834, ClinGen allele CA466274523.

ClinVar aggregate classification (germline): Likely benign. Review status: criteria provided, multiple submitters, no conflicts (2 of 4 stars). 3 submissions from 3 submitters: Likely benign (3). Last evaluated 2024-01-02.

Conditions:
Fanconi anemia (FA). Also called: Fanconi's anemia. Identifiers: Orphanet 84, MedGen C0015625, MeSH D005199, MONDO:0019391.
Hereditary cancer-predisposing syndrome. Also called: Hereditary Cancer Syndrome; Neoplastic Syndromes, Hereditary; Tumor predisposition; Hereditary neoplastic syndrome. Identifiers: Orphanet 140162, MedGen C0027672, MeSH D009386, MONDO:0015356.

Allele frequency attached by ClinVar (database versions not stated): gnomAD exomes below 0.00001.
gnomAD v4.1: 2 of 1,613,898 alleles (0.00012%); highest among the groups gnomAD compares: Non-Finnish European, 0.00017%; no homozygotes.

Submissions (3):

Labcorp Genetics (formerly Invitae), Labcorp
Classification: Likely benign for Fanconi anemia. Last evaluated: 2024-01-02. Review status: criteria provided, single submitter. Criteria: Invitae Variant Classification Sherloc (09022015). Collection method: clinical testing. Allele origin: germline.

Ambry Genetics
Classification: Likely benign for Hereditary cancer-predisposing syndrome. Last evaluated: 2019-05-30. Review status: criteria provided, single submitter. Criteria: Ambry Variant Classification Scheme 2023. Collection method: clinical testing. Allele origin: germline.

GeneDx
Classification: Likely benign. Last evaluated: 2017-09-18. Review status: criteria provided, single submitter. Criteria: GeneDx Variant Classification (06012015). Collection method: clinical testing. Allele origin: germline. Affected: yes.
Comment: This variant is considered likely benign or benign based on one or more of the following criteria: it is a conservative change, it occurs at a poorly conserved position in the protein, it is predicted to be benign by multiple in silico algorithms, and/or has population frequency not consistent with disease.